The following is an entry in ClinVar:

NM_033380.3(COL4A5):c.4048G>T (p.Ala1350Ser)

Gene: COL4A5 (collagen type IV alpha 5 chain; plus strand). Cytogenetic location: Xq22.3.
Variant type: single nucleotide variant.
Coding change: c.4048G>T on transcript NM_033380.3 (MANE Select); coding-DNA position 4048, G replaced by T.
Protein change: p.Ala1350Ser; replaces alanine 1350 with serine.
Molecular consequence: missense variant.
Genome position (GRCh38, 1-based): chrX:108,680,917, G>T. VCF-style: chrX-108680917-G-T. GRCh37 (hg19) VCF-style: chrX-107924147-G-T.
Other names: c.4030G>T, p.Ala1344Ser (NM_000495.5); short protein forms A1344S, A1350S.
Identifiers: ClinVar variation 1721384 (VCV001721384.5), dbSNP rs2524613278, ClinGen allele CA413851158.
Genomic context (GRCh38, chrX:108,680,917, plus strand): 5'-CATAAAACTGTATGTACCTTCTGTGCAGGCATGAAAGGACCCAGTGGAGTACCTGGATCA[G>T]CTGGCCCTGAGGGGGAACCGGGACTTATTGGTCCTCCAGGTAAGACTTATTCCTGAAGAT-3'
Protein context (NP_203699.1, residues 1340-1360): MKGPSGVPGS[Ala1350Ser]GPEGEPGLIG

ClinVar aggregate classification (germline): Uncertain significance (1 of 4 stars; one submission).

Submission:

Labcorp Genetics (formerly Invitae), Labcorp
Classification: Uncertain significance. Last evaluated: 2022-10-10. Review status: criteria provided, single submitter. Criteria: Invitae Variant Classification Sherloc (09022015). Collection method: clinical testing. Allele origin: germline.
Comment: In summary, the available evidence is currently insufficient to determine the role of this variant in disease. Therefore, it has been classified as a Variant of Uncertain Significance. Advanced modeling of protein sequence and biophysical properties (such as structural, functional, and spatial information, amino acid conservation, physicochemical variation, residue mobility, and thermodynamic stability) performed at Invitae indicates that this missense variant is not expected to disrupt COL4A5 protein function. This variant has not been reported in the literature in individuals affected with COL4A5-related conditions. This variant is not present in population databases (gnomAD no frequency). This sequence change replaces alanine, which is neutral and non-polar, with serine, which is neutral and polar, at codon 1344 of the COL4A5 protein (p.Ala1344Ser).